The following is an entry in ClinVar:

ClinVar aggregate classification (germline): Uncertain significance (1 of 4 stars; one submission).

Allele frequency attached by ClinVar (database versions not stated): gnomAD exomes below 0.00001.
gnomAD v4.1: 1 of 1,210,768 alleles (0.000083%); highest among the groups gnomAD compares: African/African-American, 0.0017%; no homozygotes.

Submission:

Labcorp Genetics (formerly Invitae), Labcorp
Classification: Uncertain significance. Last evaluated: 2022-12-27. Review status: criteria provided, single submitter. Criteria: Invitae Variant Classification Sherloc (09022015). Collection method: clinical testing. Allele origin: germline.
Comment: This variant has not been reported in the literature in individuals affected with NEXMIF-related conditions. In summary, the available evidence is currently insufficient to determine the role of this variant in disease. Therefore, it has been classified as a Variant of Uncertain Significance. Algorithms developed to predict the effect of missense changes on protein structure and function output the following: SIFT: "Tolerated"; PolyPhen-2: "Benign"; Align-GVGD: "Class C0". The serine amino acid residue is found in multiple mammalian species, which suggests that this missense change does not adversely affect protein function. ClinVar contains an entry for this variant (Variation ID: 948612). This variant is not present in population databases (gnomAD no frequency). This sequence change replaces glycine, which is neutral and non-polar, with serine, which is neutral and polar, at codon 1101 of the NEXMIF protein (p.Gly1101Ser).

NM_001008537.3(NEXMIF):c.3301G>A (p.Gly1101Ser)

Gene: NEXMIF (neurite extension and migration factor; minus strand). Cytogenetic location: Xq13.3.
Variant type: single nucleotide variant.
Coding change: c.3301G>A on transcript NM_001008537.3 (MANE Select); coding-DNA position 3301, G replaced by A.
Protein change: p.Gly1101Ser; replaces glycine 1101 with serine.
Molecular consequence: missense variant.
Genome position (GRCh38, 1-based): chrX:74,741,256, C>T on the plus strand (G>A on the coding strand, the complement: NEXMIF is on the minus strand). VCF-style: chrX-74741256-C-T. GRCh37 (hg19) VCF-style: chrX-73961091-C-T.
Other names: short protein forms G1101S.
Identifiers: ClinVar variation 948612 (VCV000948612.9), dbSNP rs1461176254, ClinGen allele CA413666260.